The following is an entry in ClinVar:

ClinVar aggregate classification (germline): Likely pathogenic (1 of 4 stars; one submission).

Conditions:
Autosomal recessive nonsyndromic hearing loss 48. Also called: Deafness, autosomal recessive 48; Usher Syndrome Type 1J. Identifiers: Orphanet 231169, Orphanet 886, Orphanet 90636, MedGen C1836199, MONDO:0012273, OMIM 609439.

Submission:

Institute of Rare Diseases, West China Hospital, Sichuan University
Classification: Likely pathogenic for Autosomal recessive nonsyndromic hearing loss 48. Last evaluated: 2025-01-09. Review status: criteria provided, single submitter. Criteria: ClinGen HL ACMG Specifications v1. Collection method: research. Allele origin: germline. Affected: yes.
Comment: PVS1;PM2_Supporting

NM_006383.4(CIB2):c.383_384insTA (p.Glu129fs)

Gene: CIB2 (calcium and integrin binding family member 2; minus strand). Cytogenetic location: 15q25.1.
Variant type: Insertion.
Coding change: c.383_384insTA on transcript NM_006383.4 (MANE Select); coding-DNA positions 383 to 384, TA inserted.
Protein change: p.Glu129fs; shifts the reading frame from glutamic acid 129.
Molecular consequence: frameshift variant. On other transcripts: non-coding transcript variant (1).
Genome position: GRCh38 VCF-style: chr15-78105897-C-CTA. GRCh37 (hg19) VCF-style: chr15-78398239-C-CTA.
Other names: c.254_255insTA, p.Glu86fs (NM_001271888.2); c.236_237insTA, p.Glu80fs (NM_001271889.2); c.398_399insTA, p.Glu134fs (NM_001301224.2); short protein forms E129fs, E134fs, E80fs, E86fs.
Identifiers: ClinVar variation 3601889 (VCV003601889.1).